The following is an entry in ClinVar:

NM_001048174.2(MUTYH):c.1172C>T (p.Ala391Val)

Gene: MUTYH (mutY DNA glycosylase; minus strand). Cytogenetic location: 1p34.1.
Variant type: single nucleotide variant.
Coding change: c.1172C>T on transcript NM_001048174.2 (MANE Select); coding-DNA position 1172, C replaced by T.
Protein change: p.Ala391Val; replaces alanine 391 with valine.
Molecular consequence: missense variant. On other transcripts: non-coding transcript variant (2).
Genome position (GRCh38, 1-based): chr1:45,331,487, G>A on the plus strand (C>T on the coding strand, the complement: MUTYH is on the minus strand). VCF-style: chr1-45331487-G-A. GRCh37 (hg19) VCF-style: chr1-45797159-G-A.
Other names: c.1172C>T, p.Ala391Val (NM_001048171.2, NM_001048173.2, NM_001293195.2); c.1175C>T, p.Ala392Val (NM_001048172.2); c.1256C>T, p.Ala419Val (NM_001128425.2); c.1217C>T, p.Ala406Val (NM_001293190.2); c.1205C>T, p.Ala402Val (NM_001293191.2); c.896C>T, p.Ala299Val (NM_001293192.2, NM_001293196.2); c.827C>T, p.Ala276Val (NM_001350650.2, NM_001350651.2); c.1247C>T, p.Ala416Val (NM_012222.3); short protein forms A419V, A299V, A391V, A392V, A402V, A276V, A406V, A416V.
Identifiers: ClinVar variation 464680 (VCV000464680.26), dbSNP rs369299948, ClinGen allele CA340132946.
Genomic context (GRCh38, chr1:45,331,487, plus strand): 5'-AGGTGCCGGAGGTGCGTGGCTGGGAGGGGCCCAGCCCAACGCTGTAGTTCCTGCAGCAGG[G>A]CCTTGCGCTGAAGCTGCTCTGAGGGCTCCCAGGTCACGGACGGGAACTCCCACAGTCCTG-3'
Protein context (NP_001041639.1, residues 381-401): WEPSEQLQRK[Ala391Val]LLQELQRWAG

ClinVar aggregate classification (germline): Conflicting classifications of pathogenicity. Review status: criteria provided, conflicting classifications (1 of 4 stars). 6 submissions from 6 submitters: Uncertain significance (5); Benign (1). Last evaluated 2025-12-22.

Conditions:
Familial adenomatous polyposis 2. Also called: COLORECTAL ADENOMATOUS POLYPOSIS, AUTOSOMAL RECESSIVE; ADENOMAS, MULTIPLE COLORECTAL, AUTOSOMAL RECESSIVE; MUTYH-associated polyposis; FAP type 2; MUTYH-related attenuated familial adenomatous polyposis; Adenomas, multiple colorectal. Identifiers: Orphanet 220460, Orphanet 247798, MedGen C3272841, MONDO:0012041, OMIM 608456.
Hereditary cancer-predisposing syndrome. Also called: Neoplastic Syndromes, Hereditary; Tumor predisposition; Hereditary neoplastic syndrome; Hereditary Cancer Syndrome. Identifiers: Orphanet 140162, MedGen C0027672, MeSH D009386, MONDO:0015356.

Submissions (6):

Labcorp Genetics (formerly Invitae), Labcorp
Classification: Uncertain significance for Familial adenomatous polyposis 2. Last evaluated: 2025-12-22. Review status: criteria provided, single submitter. Criteria: Invitae Variant Classification Sherloc (09022015). Collection method: clinical testing. Allele origin: germline.
Comment: This sequence change replaces alanine, which is neutral and non-polar, with valine, which is neutral and non-polar, at codon 419 of the MUTYH protein (p.Ala419Val). This variant is present in population databases (no rsID available, gnomAD 0.007%). This variant has not been reported in the literature in individuals affected with MUTYH-related conditions. ClinVar contains an entry for this variant (Variation ID: 464680). An algorithm developed to predict the effect of missense changes on protein structure and function outputs the following: PolyPhen-2: "Benign". The valine amino acid residue is found in multiple mammalian species, which suggests that this missense change does not adversely affect protein function. In summary, the available evidence is currently insufficient to determine the role of this variant in disease. Therefore, it has been classified as a Variant of Uncertain Significance.

Ambry Genetics
Classification: Benign for Hereditary cancer-predisposing syndrome. Last evaluated: 2025-09-09. Review status: criteria provided, single submitter. Criteria: Ambry Variant Classification Scheme 2023. Collection method: clinical testing. Allele origin: germline.

Quest Diagnostics Nichols Institute San Juan Capistrano
Classification: Uncertain significance. Last evaluated: 2024-10-31. Review status: criteria provided, single submitter. Criteria: Quest Diagnostics criteria. Collection method: clinical testing. Allele origin: unknown.
Comment: The MUTYH c.1256C>T (p.Ala419Val) variant has been reported in the published literature in as a somatic variant in an individual with endometrial cancer (PMID: 38790183 (2024)). The frequency of this variant in the general population, 0.000032 (1/31404 chromosomes (Genome Aggregation Database)), is uninformative in the assessment of its pathogenicity. Analysis of this variant using bioinformatics tools for the prediction of the effect of amino acid changes on protein structure and function yielded predictions that this variant is benign. Based on the available information, we are unable to determine the clinical significance of this variant.

ARUP Laboratories, Molecular Genetics and Genomics, ARUP Laboratories
Classification: Uncertain significance. Last evaluated: 2024-04-15. Review status: criteria provided, single submitter. Criteria: ARUP Molecular Germline Variant Investigation Process 2024. Collection method: clinical testing. Allele origin: germline.
Comment: The MUTYH c.1256C>T; p.Ala419Val variant (rs369299948; ClinVar Variation ID: 464680), has been reported in non-cancer controls (reported as A416V, Okawa 2023), but has not been reported in association with MUTYH-related disease in the medical literature. This variant is only observed on one allele in the Genome Aggregation Database (v2.1.1), indicating it is not a common polymorphism. Computational analyses are uncertain whether this variant is neutral or deleterious (REVEL: 0.316). Due to limited information, the clinical significance of this variant is uncertain at this time. References: Okawa Y et al. Hereditary cancer variants and homologous recombination deficiency in biliary tract cancer. J Hepatol. 2023 Feb;78(2):333-342. PMID: 36243179.

Color Diagnostics, LLC DBA Color Health
Classification: Uncertain significance for Hereditary cancer-predisposing syndrome. Last evaluated: 2024-03-06. Review status: criteria provided, single submitter. Criteria: ACMG Guidelines, 2015. Collection method: clinical testing. Allele origin: germline.
Comment: This missense variant replaces alanine with valine at codon 419 of the MUTYH protein. Computational prediction suggests that this variant may not impact protein structure and function (internally defined REVEL score threshold <= 0.5, PMID: 27666373). To our knowledge, functional studies have not been reported for this variant. This variant has not been reported in individuals affected with MUTYH-related disorders in the literature. This variant has been identified in 1/31404 chromosomes in the general population by the Genome Aggregation Database (gnomAD). The available evidence is insufficient to determine the role of this variant in disease conclusively. Therefore, this variant is classified as a Variant of Uncertain Significance.

All of Us Research Program, National Institutes of Health
Classification: Uncertain significance for Familial adenomatous polyposis 2. Last evaluated: 2023-03-23. Review status: criteria provided, single submitter. Criteria: ACMG Guidelines, 2015. Collection method: clinical testing. Allele origin: germline. Inheritance: Autosomal recessive inheritance. Observed: 1 variant allele, 1 heterozygote.
Comment: This missense variant replaces alanine with valine at codon 419 of the MUTYH protein. Computational prediction suggests that this variant may not impact protein structure and function (internally defined REVEL score threshold <= 0.5, PMID: 27666373). To our knowledge, functional studies have not been reported for this variant. This variant has not been reported in individuals affected with MUTYH-related disorders in the literature. This variant has been identified in 1/31404 chromosomes in the general population by the Genome Aggregation Database (gnomAD). The available evidence is insufficient to determine the role of this variant in disease conclusively. Therefore, this variant is classified as a Variant of Uncertain Significance.

This study involves interpretation of variants in research participants for the purpose of population health screening. Participant phenotype was not available at the time of variant classification. Additional details can be found in publication PMID: 35346344, PMCID: PMC8962531

Literature cited by the submitters: PubMed 38790183 (cited by Quest Diagnostics Nichols Institute San Juan Capistrano).